The following is an entry in ClinVar:

NM_002291.3(LAMB1):c.3376G>C (p.Asp1126His)

Gene: LAMB1 (laminin subunit beta 1; minus strand). Cytogenetic location: 7q31.1.
Variant type: single nucleotide variant.
Coding change: c.3376G>C on transcript NM_002291.3 (MANE Select); coding-DNA position 3376, G replaced by C.
Protein change: p.Asp1126His; replaces aspartic acid 1126 with histidine.
Molecular consequence: missense variant.
Genome position (GRCh38, 1-based): chr7:107,951,241, C>G on the plus strand (G>C on the coding strand, the complement: LAMB1 is on the minus strand). VCF-style: chr7-107951241-C-G. GRCh37 (hg19) VCF-style: chr7-107591686-C-G.
Other names: short protein forms D1126H.
Identifiers: ClinVar variation 4096343 (VCV004096343.2).
Genomic context (GRCh38, chr7:107,951,241, plus strand): 5'-CCTCCACTCTCTGATCAAGTCAATGCGAGAACGCCCACAACTCACCTCGGCACTCCACGT[C>G]GGGGTCTCCCCAGAAGAGTTCCTGGCACTCGCTGCAGGTGCGGCCTCCAAACCCAGGCAT-3'
Protein context (NP_002282.2, residues 1116-1136): ECQELFWGDP[Asp1126His]VECRACDCDP

ClinVar aggregate classification (germline): Uncertain significance. Review status: criteria provided, multiple submitters, no conflicts (2 of 4 stars). 2 submissions from 2 submitters: Uncertain significance (2). Last evaluated 2026-04-01.

Conditions:
Inborn genetic diseases. Identifiers: MedGen C0950123, MeSH D030342.

Submissions (2):

GeneDx
Classification: Uncertain significance. Last evaluated: 2026-04-01. Review status: criteria provided, single submitter. Criteria: GeneDx Variant Classification Process June 2021. Collection method: clinical testing. Allele origin: germline.
Comment: Not observed at significant frequency in large population cohorts (gnomAD); In silico analysis suggests that this missense variant does not alter protein structure/function; Has not been previously published as pathogenic or benign to our knowledge; This variant is associated with the following publications: (PMID: 23472759)

Ambry Genetics
Classification: Uncertain significance for Inborn genetic diseases. Last evaluated: 2025-09-11. Review status: criteria provided, single submitter. Criteria: Ambry Variant Classification Scheme 2023. Collection method: clinical testing. Allele origin: germline.